The following is an entry in ClinVar:

ClinVar aggregate classification (germline): Uncertain significance (1 of 4 stars; one submission).

Conditions:
Cognitive impairment - coarse facies - heart defects - obesity - pulmonary involvement - short stature - skeletal dysplasia syndrome. Also called: AFF4-Related CHOPS Syndrome; COGNITIVE IMPAIRMENT, COARSE FACIES, HEART DEFECTS, OBESITY, PULMONARY INVOLVEMENT, SHORT STATURE, AND SKELETAL DYSPLASIA; Chops syndrome. Identifiers: Orphanet 444077, MedGen C4085597, MONDO:0014609, OMIM 616368.

Allele frequency attached by ClinVar (database versions not stated): gnomAD exomes below 0.00001; TOPMed 0.00001.
gnomAD v4.1: 7 of 1,614,210 alleles (0.00043%); highest among the groups gnomAD compares: Non-Finnish European, 0.00051%; no homozygotes.

Submission:

Baylor Genetics
Classification: Uncertain significance for Cognitive impairment - coarse facies - heart defects - obesity - pulmonary involvement - short stature - skeletal dysplasia syndrome. Last evaluated: 2019-04-11. Review status: criteria provided, single submitter. Criteria: ACMG Guidelines, 2015. Collection method: clinical testing. Allele origin: unknown. Affected: yes.
Comment: This variant was determined to be of uncertain significance according to ACMG Guidelines, 2015 [PMID:25741868].

NM_014423.4(AFF4):c.2162A>G (p.Asn721Ser)

Gene: AFF4 (ALF transcription elongation factor 4; minus strand). Cytogenetic location: 5q31.1.
Variant type: single nucleotide variant.
Coding change: c.2162A>G on transcript NM_014423.4 (MANE Select); coding-DNA position 2162, A replaced by G.
Protein change: p.Asn721Ser; replaces asparagine 721 with serine.
Molecular consequence: missense variant.
Genome position (GRCh38, 1-based): chr5:132,896,468, T>C on the plus strand (A>G on the coding strand, the complement: AFF4 is on the minus strand). VCF-style: chr5-132896468-T-C. GRCh37 (hg19) VCF-style: chr5-132232160-T-C.
Other names: short protein forms N721S.
Identifiers: ClinVar variation 1027865 (VCV001027865.1), dbSNP rs1003277559, ClinGen allele CA127273249.
Genomic context (GRCh38, chr5:132,896,468, plus strand): 5'-TTTTCCCCCTTGGGCGGCTCTGTTTCTTTGTAAGGCTTTCCTGGTATTCTAGTCAAAAGA[T>C]TCAGGTCAATCTTCACAATAAGTGGGTACCTGTCATCAGGCTCACTGAGGGGTGAAAGAA-3'
Protein context (NP_055238.1, residues 711-731): RYPLIVKIDL[Asn721Ser]LLTRIPGKPY